The following is an entry in ClinVar:

ClinVar aggregate classification (germline): Uncertain significance (1 of 4 stars; one submission).

Conditions:
Neurodevelopmental disorder with dysmorphic facies and distal limb anomalies. Identifiers: Orphanet 686482, MedGen C4540327, MONDO:0060596, OMIM 617755.

gnomAD v4.1: 1 of 1,613,542 alleles (0.000062%); highest among the groups gnomAD compares: South Asian, 0.0011%; no homozygotes.

Submission:

Institute of Immunology and Genetics Kaiserslautern
Classification: Uncertain significance for Neurodevelopmental disorder with dysmorphic facies and distal limb anomalies. Last evaluated: 2025-08-07. Review status: criteria provided, single submitter. Criteria: ACMG Guidelines, 2015. Collection method: clinical testing. Allele origin: germline. Affected: yes.
Comment: ACMG Criteria: PM2_P; Variant was found in heterozygous state.

NM_182641.4(BPTF):c.1637A>T (p.Lys546Ile)

Gene: BPTF (bromodomain PHD finger transcription factor; plus strand). Cytogenetic location: 17q24.2.
Variant type: single nucleotide variant.
Coding change: c.1637A>T on transcript NM_182641.4 (MANE Select); coding-DNA position 1637, A replaced by T.
Protein change: p.Lys546Ile; replaces lysine 546 with isoleucine.
Molecular consequence: missense variant.
Genome position (GRCh38, 1-based): chr17:67,866,664, A>T. VCF-style: chr17-67866664-A-T. GRCh37 (hg19) VCF-style: chr17-65862780-A-T.
Other names: c.1637A>T, p.Lys546Ile (NM_001439139.1, NM_001439140.1, NM_001439141.1 and 4 more transcripts); short protein forms K546I.
Identifiers: ClinVar variation 4279040 (VCV004279040.1).
Genomic context (GRCh38, chr17:67,866,664, plus strand): 5'-AAATCCACCGACACATGGACATAACTGAAGACCTGACCAATAAGGCTCGGGGCAGTAACA[A>T]ATCCTTTCTGGCGGCAGCTAATGGTGAGAGGGGCATTTTCTCATTTTATTTTTGTTAAGT-3'
Protein context (NP_872579.2, residues 536-556): DLTNKARGSN[Lys546Ile]SFLAAANEEI